The following is an entry in ClinVar:

ClinVar aggregate classification (germline): Likely pathogenic. Review status: criteria provided, single submitter (1 of 4 stars). 3 submissions from 3 submitters: Likely pathogenic (1). 2 of the submissions do not count toward it. Last evaluated 2025-12-22.

Conditions:
Familial periodic paralysis. Identifiers: Orphanet 371433, MedGen C0030443, MONDO:0000995.
Andersen Tawil syndrome (LQT7). Also called: LONG QT SYNDROME 7; ANDERSEN CARDIODYSRHYTHMIC PERIODIC PARALYSIS; Andersen Syndrome; Potassium-sensitive periodic paralysis, ventricular ectopy, and dysmorphic features; PERIODIC PARALYSIS, POTASSIUM-SENSITIVE CARDIODYSRHYTHMIC TYPE. Identifiers: Orphanet 37553, MedGen C1563715, MONDO:0008222, OMIM 170390.

Submissions (3):

Variantyx, Inc.
Classification: Likely pathogenic for Andersen Tawil syndrome. Last evaluated: 2025-12-22. Review status: criteria provided, single submitter. Criteria: Variantyx Assertion Criteria 2022. Collection method: clinical testing. Allele origin: germline. Inheritance: Autosomal dominant inheritance. Affected: yes.
Comment: This is a nonsynonymous variant in the KCNJ2 gene (OMIM: 600681). Pathogenic variants in this gene have been associated with autosomal dominant Andersen syndrome. This variant has been reported in at least two unrelated affected individuals (PMID: 17324964, 35460302) (PS4_Moderate). Functional studies have shown that this variant alters KCNJ2 protein function (PMID: 17324964) (PS3_Moderate), and multiple computational algorithms predict a deleterious effect for this variant (REVEL score: 0.952) (PP3). This variant is absent from control populations (PM2). Based on the current evidence, this variant is classified as likely pathogenic for autosomal dominant Andersen syndrome. Inheritance from an unaffected or mildly affected parent has been reported in the KCNJ2 gene, consistent with incomplete penetrance and/or variable expressivity (PMID: 20301441).

OMIM
Classification: Pathogenic for ANDERSEN CARDIODYSRHYTHMIC PERIODIC PARALYSIS. Last evaluated: 2007-04-15. Review status: no assertion criteria provided. Collection method: literature only. Allele origin: germline. Not counted in ClinVar's aggregate classification.

Cardiovascular Biomedical Research Unit, Royal Brompton & Harefield NHS Foundation Trust
No classification provided. Condition: Periodic paralysis. Review status: no classification provided. Collection method: literature only. Allele origin: germline. Not counted in ClinVar's aggregate classification.
Comment: This variant has been reported as associated with Periodic paralysis in the following publications (PMID:17324964;PMID:19201608). This is a literature report, and does not necessarily reflect the clinical interpretation of the Imperial College / Royal Brompton Cardiovascular Genetics laboratory.

Literature cited by the submitters: PubMed 17324964 (cited by 3 submitters); PubMed 35460302 (cited by Variantyx, Inc.); PubMed 19201608 (cited by Cardiovascular Biomedical Research Unit, Royal Brompton & Harefield NHS Foundation Trust); PubMed 22581653 (cited by Cardiovascular Biomedical Research Unit, Royal Brompton & Harefield NHS Foundation Trust).

NM_000891.3(KCNJ2):c.161G>T (p.Cys54Phe)

Gene: KCNJ2 (potassium inwardly rectifying channel subfamily J member 2; plus strand). Cytogenetic location: 17q24.3.
Variant type: single nucleotide variant.
Coding change: c.161G>T on transcript NM_000891.3 (MANE Select); coding-DNA position 161, G replaced by T.
Protein change: p.Cys54Phe; replaces cysteine 54 with phenylalanine.
Molecular consequence: missense variant.
Genome position (GRCh38, 1-based): chr17:70,175,200, G>T. VCF-style: chr17-70175200-G-T. GRCh37 (hg19) VCF-style: chr17-68171341-G-T.
Other names: c.161G>T (LRG_328t1); short protein forms C54F.
Identifiers: ClinVar variation 30119 (VCV000030119.2), dbSNP rs199473650, ClinGen allele CA145011.
Genomic context (GRCh38, chr17:70,175,200, plus strand): 5'-AGAGTAAAGTCCACACCCGACAACAGTGCAGGAGCCGCTTTGTGAAGAAAGATGGCCACT[G>T]TAATGTTCAGTTCATCAATGTGGGTGAGAAGGGGCAACGGTACCTCGCAGACATCTTCAC-3'
Protein context (NP_000882.1, residues 44-64): RSRFVKKDGH[Cys54Phe]NVQFINVGEK